The following is an entry in ClinVar:

NM_001710.6(CFB):c.646C>G (p.Pro216Ala)

Gene: CFB (complement factor B; plus strand). Cytogenetic location: 6p21.33.
Variant type: single nucleotide variant.
Coding change: c.646C>G on transcript NM_001710.6 (MANE Select); coding-DNA position 646, C replaced by G.
Protein change: p.Pro216Ala; replaces proline 216 with alanine.
Molecular consequence: missense variant.
Genome position (GRCh38, 1-based): chr6:31,947,509, C>G. VCF-style: chr6-31947509-C-G. GRCh37 (hg19) VCF-style: chr6-31915286-C-G.
Other names: short protein forms P216A.
Identifiers: ClinVar variation 1953416 (VCV001953416.5), dbSNP rs995165355, ClinGen allele CA363393939.
Genomic context (GRCh38, chr6:31,947,509, plus strand): 5'-ACCCTGCGTGGCTCCCAGCGGCGAACGTGTCAGGAAGGTGGCTCTTGGAGCGGGACGGAG[C>G]CTTCCTGCCAAGGTGACCTTTGACCTGTACCCCCAGGTCAGATCCTGGTCTTCCATCCTA-3'
Protein context (NP_001701.2, residues 206-226): QEGGSWSGTE[Pro216Ala]SCQDSFMYDT

ClinVar aggregate classification (germline): Uncertain significance (1 of 4 stars; one submission).

gnomAD v4.1: 3 of 1,612,954 alleles (0.00019%); highest among the groups gnomAD compares: Admixed American, 0.0017%; no homozygotes.

Submission:

Labcorp Genetics (formerly Invitae), Labcorp
Classification: Uncertain significance. Last evaluated: 2025-01-14. Review status: criteria provided, single submitter. Criteria: Invitae Variant Classification Sherloc (09022015). Collection method: clinical testing. Allele origin: germline.
Comment: This sequence change replaces proline, which is neutral and non-polar, with alanine, which is neutral and non-polar, at codon 216 of the CFB protein (p.Pro216Ala). This variant is present in population databases (no rsID available, gnomAD 0.003%). This variant has not been reported in the literature in individuals affected with CFB-related conditions. ClinVar contains an entry for this variant (Variation ID: 1953416). Invitae Evidence Modeling of protein sequence and biophysical properties (such as structural, functional, and spatial information, amino acid conservation, physicochemical variation, residue mobility, and thermodynamic stability) has been performed for this missense variant. However, the output from this modeling did not meet the statistical confidence thresholds required to predict the impact of this variant on CFB protein function. In summary, the available evidence is currently insufficient to determine the role of this variant in disease. Therefore, it has been classified as a Variant of Uncertain Significance.